The following is an entry in ClinVar:

ClinVar aggregate classification (germline): Uncertain significance. Review status: criteria provided, multiple submitters, no conflicts (2 of 4 stars). 2 submissions from 2 submitters: Uncertain significance (2). Last evaluated 2025-05-01.

Conditions:
Spastic paraplegia. Identifiers: MedGen C0037772, HP:0001258.

Allele frequency attached by ClinVar (database versions not stated): gnomAD exomes 0.00002; TOPMed 0.00002; gnomAD 0.00004; ExAC 0.00005.

Submissions (2):

Ambry Genetics
Classification: Uncertain significance. Last evaluated: 2025-05-01. Review status: criteria provided, single submitter. Criteria: Ambry Variant Classification Scheme 2023. Collection method: clinical testing. Allele origin: germline.

Labcorp Genetics (formerly Invitae), Labcorp
Classification: Uncertain significance for Spastic paraplegia. Last evaluated: 2022-10-27. Review status: criteria provided, single submitter. Criteria: Invitae Variant Classification Sherloc (09022015). Collection method: clinical testing. Allele origin: germline.
Comment: This sequence change replaces arginine, which is basic and polar, with glutamine, which is neutral and polar, at codon 261 of the ARSI protein (p.Arg261Gln). This variant is present in population databases (rs770975318, gnomAD 0.07%), and has an allele count higher than expected for a pathogenic variant. This variant has not been reported in the literature in individuals affected with ARSI-related conditions. Advanced modeling of protein sequence and biophysical properties (such as structural, functional, and spatial information, amino acid conservation, physicochemical variation, residue mobility, and thermodynamic stability) performed at Invitae indicates that this missense variant is not expected to disrupt ARSI protein function. In summary, the available evidence is currently insufficient to determine the role of this variant in disease. Therefore, it has been classified as a Variant of Uncertain Significance.

NM_001012301.4(ARSI):c.782G>A (p.Arg261Gln)

Gene: ARSI (arylsulfatase family member I; minus strand). Cytogenetic location: 5q32.
Variant type: single nucleotide variant.
Coding change: c.782G>A on transcript NM_001012301.4 (MANE Select); coding-DNA position 782, G replaced by A.
Protein change: p.Arg261Gln; replaces arginine 261 with glutamine.
Molecular consequence: missense variant.
Genome position (GRCh38, 1-based): chr5:150,298,142, C>T on the plus strand (G>A on the coding strand, the complement: ARSI is on the minus strand). VCF-style: chr5-150298142-C-T. GRCh37 (hg19) VCF-style: chr5-149677705-C-T.
Other names: c.782G>A (NM_001012301.2); short protein forms R261Q.
Identifiers: ClinVar variation 2714832 (VCV002714832.4), dbSNP rs770975318, ClinGen allele CA3510247.